The following is an entry in ClinVar:

NM_000321.3(RB1):c.1700C>T (p.Ser567Leu)

Gene: RB1 (RB transcriptional corepressor 1; plus strand). Cytogenetic location: 13q14.2.
Variant type: single nucleotide variant.
Coding change: c.1700C>T on transcript NM_000321.3 (MANE Select); coding-DNA position 1700, C replaced by T.
Protein change: p.Ser567Leu; replaces serine 567 with leucine.
Molecular consequence: missense variant.
Genome position (GRCh38, 1-based): chr13:48,452,997, C>T. VCF-style: chr13-48452997-C-T. GRCh37 (hg19) VCF-style: chr13-49027133-C-T.
Other names: c.1700C>T (NM_000321.2); short protein forms S567L.
Identifiers: ClinVar variation 13072 (VCV000013072.6), dbSNP rs137853292, ClinGen allele CA026396.

ClinVar aggregate classification (germline): Likely pathogenic. Review status: criteria provided, multiple submitters, no conflicts (2 of 4 stars). 4 submissions from 4 submitters: Likely pathogenic (3). 1 of the submissions does not count toward it. Last evaluated 2024-05-20.

Conditions:
Retinoblastoma (RB1). Also called: RETINOBLASTOMA, SOMATIC. Identifiers: Orphanet 790, MedGen C0035335, MeSH D012175, MONDO:0008380, OMIM 180200, HP:0009919. Disease mechanism: loss of function. Inheritance: Both sporadic and heritable forms are tested..

Submissions (4):

Genetic Diagnostic Laboratory, University of Pennsylvania School of Medicine
Classification: Likely pathogenic for Retinoblastoma. Last evaluated: 2024-05-20. Review status: criteria provided, single submitter. Criteria: ACMG Guidelines, 2015. Collection method: clinical testing. Allele origin: germline. Affected: yes. Observed: 2 variant alleles.
Comment: Case and Pedigree Information: BILATERAL CASES:1, UNILATERAL CASES:1, TOTAL CASES:2, PEDIGREES:2. ACMG Codes Applied:PM1, PM2, PP3, PP5

Labcorp Genetics (formerly Invitae), Labcorp
Classification: Likely pathogenic for Retinoblastoma. Last evaluated: 2023-12-14. Review status: criteria provided, single submitter. Criteria: Invitae Variant Classification Sherloc (09022015). Collection method: clinical testing. Allele origin: germline.
Comment: This sequence change replaces serine, which is neutral and polar, with leucine, which is neutral and non-polar, at codon 567 of the RB1 protein (p.Ser567Leu). This variant is not present in population databases (gnomAD no frequency). This missense change has been observed in individual(s) with retinoblastoma (PMID: 10671068; Invitae). ClinVar contains an entry for this variant (Variation ID: 13072). Advanced modeling of protein sequence and biophysical properties (such as structural, functional, and spatial information, amino acid conservation, physicochemical variation, residue mobility, and thermodynamic stability) performed at Invitae indicates that this missense variant is expected to disrupt RB1 protein function with a positive predictive value of 80%. In summary, the currently available evidence indicates that the variant is pathogenic, but additional data are needed to prove that conclusively. Therefore, this variant has been classified as Likely Pathogenic.

GeneDx
Classification: Likely pathogenic. Last evaluated: 2023-12-07. Review status: criteria provided, single submitter. Criteria: GeneDx Variant Classification Process June 2021. Collection method: clinical testing. Allele origin: germline. Affected: yes.
Comment: Not observed at significant frequency in large population cohorts (gnomAD); In silico analysis supports that this missense variant has a deleterious effect on protein structure/function; This variant is associated with the following publications: (PMID: 35570879, Chiodo[thesis]2017, 10671068, 2594029)

OMIM
Classification: Pathogenic for RETINOBLASTOMA. Last evaluated: 1989-12-21. Review status: no assertion criteria provided. Collection method: literature only. Allele origin: germline. Not counted in ClinVar's aggregate classification.

Literature cited by the submitters: PubMed 10671068 (cited by Labcorp Genetics (formerly Invitae), Labcorp); PubMed 2594029 (cited by OMIM).